The following is an entry in ClinVar:

NM_001083962.2(TCF4):c.649A>G (p.Met217Val)

Gene: TCF4 (transcription factor 4; minus strand). Cytogenetic location: 18q21.2.
Variant type: single nucleotide variant.
Coding change: c.649A>G on transcript NM_001083962.2 (MANE Select); coding-DNA position 649, A replaced by G.
Protein change: p.Met217Val; replaces methionine 217 with valine.
Molecular consequence: missense variant. On other transcripts: initiator codon variant (1).
Genome position (GRCh38, 1-based): chr18:55,279,557, T>C on the plus strand (A>G on the coding strand, the complement: TCF4 is on the minus strand). VCF-style: chr18-55279557-T-C. GRCh37 (hg19) VCF-style: chr18-52946788-T-C.
Other names: c.955A>G, p.Met319Val (NM_001243226.3); c.577A>G, p.Met193Val (NM_001243227.2, NM_001348217.1, NM_001369575.1 and 9 more transcripts); c.667A>G, p.Met223Val (NM_001243228.2); c.643A>G, p.Met215Val (NM_001243230.2); c.523A>G, p.Met175Val (NM_001243231.2, NM_001348211.2); c.436A>G, p.Met146Val (NM_001243232.1, NM_001306208.1); c.259A>G, p.Met87Val (NM_001243233.2, NM_001330605.3, NM_001348212.2 and 1 more transcripts); c.649A>G, p.Met217Val (NM_001330604.3, NM_001369574.1, NM_001369567.1 and 4 more transcripts); and 4 more; short protein forms M146V, M192V, M1V, M215V, M217V, M175V, M223V, M319V.
Identifiers: ClinVar variation 2118038 (VCV002118038.5), dbSNP rs768573052, ClinGen allele CA402701723.
Genomic context (GRCh38, chr18:55,279,557, plus strand): 5'-GACCCAGGAAAATGCTATCCAGTGGCCTTTCCCTCAGAAGCAGCAGCATCTTACCTTGCA[T>C]GAAGAAGGAGCTAGGGAAAGTGCTGGTTGCTGGTTTGGAGGAAGGATAGCCTGGCGAGTC-3'
Protein context (NP_001077431.1, residues 207-227): ATSTFPSSFF[Met217Val]QDGHHSSDPW

ClinVar aggregate classification (germline): Uncertain significance (1 of 4 stars; one submission).

Conditions:
Pitt-Hopkins syndrome (PTHS). Also called: ENCEPHALOPATHY, SEVERE EPILEPTIC, WITH AUTONOMIC DYSFUNCTION; MENTAL RETARDATION, SYNDROMAL, WITH INTERMITTENT HYPERVENTILATION. Identifiers: Orphanet 2896, MedGen C1970431, MONDO:0012589, OMIM 610954.

gnomAD v4.1: 1 of 1,613,866 alleles (0.000062%); highest among the groups gnomAD compares: South Asian, 0.0011%; no homozygotes.

Submission:

Labcorp Genetics (formerly Invitae), Labcorp
Classification: Uncertain significance for Pitt-Hopkins syndrome. Last evaluated: 2022-03-27. Review status: criteria provided, single submitter. Criteria: Invitae Variant Classification Sherloc (09022015). Collection method: clinical testing. Allele origin: germline.
Comment: This sequence change replaces methionine, which is neutral and non-polar, with valine, which is neutral and non-polar, at codon 217 of the TCF4 protein (p.Met217Val). This variant is not present in population databases (gnomAD no frequency). In summary, the available evidence is currently insufficient to determine the role of this variant in disease. Therefore, it has been classified as a Variant of Uncertain Significance. Algorithms developed to predict the effect of missense changes on protein structure and function (SIFT, PolyPhen-2, Align-GVGD) all suggest that this variant is likely to be tolerated. This variant has not been reported in the literature in individuals affected with TCF4-related conditions.